The following is an entry in ClinVar:

ClinVar aggregate classification (germline): Uncertain significance (1 of 4 stars; one submission).

Allele frequency attached by ClinVar (database versions not stated): ExAC 0.00004; gnomAD 0.00004; TOPMed 0.00007; ESP Exome Variant Server 0.00031.
gnomAD v4.1: 69 of 1,613,892 alleles (0.0043%); highest among the groups gnomAD compares: Middle Eastern, 0.033%; no homozygotes.

Submission:

Labcorp Genetics (formerly Invitae), Labcorp
Classification: Uncertain significance. Last evaluated: 2022-02-28. Review status: criteria provided, single submitter. Criteria: Invitae Variant Classification Sherloc (09022015). Collection method: clinical testing. Allele origin: germline.
Comment: This sequence change replaces proline, which is neutral and non-polar, with leucine, which is neutral and non-polar, at codon 668 of the CNGB3 protein (p.Pro668Leu). This variant is present in population databases (rs146161333, gnomAD 0.005%). This variant has not been reported in the literature in individuals affected with CNGB3-related conditions. Advanced modeling of protein sequence and biophysical properties (such as structural, functional, and spatial information, amino acid conservation, physicochemical variation, residue mobility, and thermodynamic stability) performed at Invitae indicates that this missense variant is not expected to disrupt CNGB3 protein function. In summary, the available evidence is currently insufficient to determine the role of this variant in disease. Therefore, it has been classified as a Variant of Uncertain Significance.

NM_019098.5(CNGB3):c.2003C>T (p.Pro668Leu)

Gene: CNGB3 (cyclic nucleotide gated channel subunit beta 3; minus strand). Cytogenetic location: 8q21.3.
Variant type: single nucleotide variant.
Coding change: c.2003C>T on transcript NM_019098.5 (MANE Select); coding-DNA position 2003, C replaced by T.
Protein change: p.Pro668Leu; replaces proline 668 with leucine.
Molecular consequence: missense variant.
Genome position (GRCh38, 1-based): chr8:86,578,789, G>A on the plus strand (C>T on the coding strand, the complement: CNGB3 is on the minus strand). VCF-style: chr8-86578789-G-A. GRCh37 (hg19) VCF-style: chr8-87591017-G-A.
Other names: short protein forms P668L.
Identifiers: ClinVar variation 2155944 (VCV002155944.1), dbSNP rs146161333, ClinGen allele CA4799827.